The following is an entry in ClinVar:

NM_001370466.1(NOD2):c.452_453delinsTG (p.Ser151Leu)

Gene: NOD2 (nucleotide binding oligomerization domain containing 2; plus strand). Cytogenetic location: 16q12.1.
Variant type: Indel.
Coding change: c.452_453delinsTG on transcript NM_001370466.1 (MANE Select); coding-DNA positions 452 to 453, CC replaced by TG.
Protein change: p.Ser151Leu; replaces serine 151 with leucine.
Molecular consequence: missense variant. On other transcripts: non-coding transcript variant (1).
Genome position (GRCh38, 1-based): chr16:50,699,947-50,699,948, CC replaced by TG. VCF-style: chr16-50699947-CC-TG. GRCh37 (hg19) VCF-style: chr16-50733858-CC-TG.
Other names: c.452_453delinsTG, p.Ser151Leu (NM_001293557.2); c.533_534delinsTG, p.Ser178Leu (NM_022162.3); short protein forms S151L, S178L.
Identifiers: ClinVar variation 2938328 (VCV002938328.3), dbSNP rs2509135213, ClinGen allele CA2740093319.

ClinVar aggregate classification (germline): Uncertain significance (1 of 4 stars; one submission).

Conditions:
Blau syndrome (BLAUS). Also called: ARTHROCUTANEOUVEAL GRANULOMATOSIS; GRANULOMATOSIS, FAMILIAL JUVENILE SYSTEMIC; GRANULOMATOSIS, FAMILIAL, BLAU TYPE; GRANULOMATOUS INFLAMMATORY ARTHRITIS, DERMATITIS, AND UVEITIS, FAMILIAL; JABS SYNDROME. Identifiers: Orphanet 90340, MedGen C5201146, MONDO:0008523, OMIM 186580.
Regional enteritis. Also called: Enteritis, Granulomatous. Identifiers: MedGen C0678202, MeSH D003424.

Submission:

Labcorp Genetics (formerly Invitae), Labcorp
Classification: Uncertain significance for Regional enteritis; Blau syndrome. Last evaluated: 2024-12-29. Review status: criteria provided, single submitter. Criteria: Invitae Variant Classification Sherloc (09022015). Collection method: clinical testing. Allele origin: germline.
Comment: This sequence change replaces serine, which is neutral and polar, with leucine, which is neutral and non-polar, at codon 178 of the NOD2 protein (p.Ser178Leu). Information on the frequency of this variant in the gnomAD database is not available, as this variant may be reported differently in the database. This variant has not been reported in the literature in individuals affected with NOD2-related conditions. ClinVar contains an entry for this variant (Variation ID: 2938328). An algorithm developed to predict the effect of missense changes on protein structure and function (PolyPhen-2) suggests that this variant is likely to be disruptive. In summary, the available evidence is currently insufficient to determine the role of this variant in disease. Therefore, it has been classified as a Variant of Uncertain Significance.